The following is an entry in ClinVar:

ClinVar aggregate classification (germline): Pathogenic. Review status: criteria provided, multiple submitters, no conflicts (2 of 4 stars). 3 submissions from 3 submitters: Pathogenic (3). Last evaluated 2024-09-04.

Conditions:
Multiple endocrine neoplasia, type 1 (MEN1). Also called: MEN I; WERMER SYNDROME; Endocrine adenomatosis multiple; MEN 1; MEA I. Identifiers: Orphanet 652, MedGen C0025267, MeSH D018761, MONDO:0007540, OMIM 131100.

Submissions (3):

Labcorp Genetics (formerly Invitae), Labcorp
Classification: Pathogenic for Multiple endocrine neoplasia, type 1. Last evaluated: 2024-09-04. Review status: criteria provided, single submitter. Criteria: Invitae Variant Classification Sherloc (09022015). Collection method: clinical testing. Allele origin: germline.
Comment: This sequence change creates a premature translational stop signal (p.Gln400*) in the MEN1 gene. It is expected to result in an absent or disrupted protein product. Loss-of-function variants in MEN1 are known to be pathogenic (PMID: 12112656, 17853334). This variant is not present in population databases (gnomAD no frequency). This premature translational stop signal has been observed in individual(s) with multiple endocrine neoplasia type 1. (PMID: 12791038). This variant is also known as 1213 >T, Q405X. ClinVar contains an entry for this variant (Variation ID: 265240). For these reasons, this variant has been classified as Pathogenic.

Centre for Mendelian Genomics, University Medical Centre Ljubljana
Classification: Pathogenic for Multiple endocrine neoplasia, type 1. Last evaluated: 2019-12-16. Review status: criteria provided, single submitter. Criteria: ACMG Guidelines, 2015. Collection method: clinical testing. Allele origin: unknown. Affected: yes.
Comment: This variant was classified as: Pathogenic. The following ACMG criteria were applied in classifying this variant: PVS1,PM2,PP5.

GeneDx
Classification: Pathogenic. Last evaluated: 2019-08-15. Review status: criteria provided, single submitter. Criteria: GeneDx Variant Classification Process June 2021. Collection method: clinical testing. Allele origin: germline. Affected: yes.
Comment: Nonsense variant predicted to result in protein truncation or nonsense mediated decay in a gene for which loss-of-function is a known mechanism of disease; Not observed at a significant frequency in large population cohorts (Lek et al., 2016); This variant is associated with the following publications: (PMID: 21252315)

Literature cited by the submitters: PubMed 12112656 (cited by Labcorp Genetics (formerly Invitae), Labcorp); PubMed 17853334 (cited by Labcorp Genetics (formerly Invitae), Labcorp); PubMed 12791038 (cited by Labcorp Genetics (formerly Invitae), Labcorp).

NM_001370259.2(MEN1):c.1198C>T (p.Gln400Ter)

Gene: MEN1 (menin 1; minus strand). Cytogenetic location: 11q13.1.
Variant type: single nucleotide variant.
Coding change: c.1198C>T on transcript NM_001370259.2 (MANE Select); coding-DNA position 1198, C replaced by T.
Protein change: p.Gln400Ter; replaces glutamine 400 with a stop codon.
Molecular consequence: nonsense.
Genome position (GRCh38, 1-based): chr11:64,805,186, G>A on the plus strand (C>T on the coding strand, the complement: MEN1 is on the minus strand). VCF-style: chr11-64805186-G-A. GRCh37 (hg19) VCF-style: chr11-64572658-G-A.
Other names: c.1213C>T, p.Gln405Ter (NM_000244.4, NM_130800.3, NM_130801.3 and 3 more transcripts); c.1324C>T, p.Gln442Ter (NM_001370251.2); c.1198C>T, p.Gln400Ter (NM_001370260.2, NM_001370261.2, NM_130799.3); c.1093C>T, p.Gln365Ter (NM_001370262.2, NM_001370263.2); short protein forms Q400*, Q405*, Q442*, Q365*.
Identifiers: ClinVar variation 265240 (VCV000265240.10), dbSNP rs886039419, ClinGen allele CA10588528.